The following is an entry in ClinVar:

NM_007289.4(MME):c.1095-7del

Gene: MME (membrane metalloendopeptidase; plus strand). Cytogenetic location: 3q25.2.
Variant type: Deletion.
Coding change: c.1095-7del on transcript NM_007289.4 (MANE Select); 7 bases into the intron before coding-DNA position 1095, one base deleted (T; older notation c.1095-7delT).
Molecular consequence: intron variant.
Genome position (GRCh38, 1-based): chr3:155,142,230, T deleted; the last of 8 consecutive T bases (chr3:155,142,223-155,142,230); deleting any one gives the same sequence. VCF-style (leftmost placement, unchanged base first): chr3-155142222-GT-G. GRCh37 (hg19) VCF-style: chr3-154860011-GT-G.
Other names: c.1095-7del (NM_001354642.2, NM_000902.5, NM_007287.4 and 2 more transcripts).
Identifiers: ClinVar variation 5041265 (VCV005041265.1).
Genomic context (GRCh38, chr3:155,142,222, plus strand): 5'-TGCATTTCATATCACTCTTCAGAAGCTTTGCAGCCTCATCTTTTCTGTTGCTGGGCGGTG[GT>G]TTTTTTTATACAGAGATCTTCAAAATTTAATGTCCTGGAGATTCATAATGGATCTTGTAA-3'

ClinVar aggregate classification (germline): Uncertain significance (1 of 4 stars; one submission).

Submission:

CeGaT Center for Human Genetics Tuebingen
Classification: Uncertain significance. Last evaluated: 2026-09-01. Review status: criteria provided, single submitter. Criteria: CeGaT Center For Human Genetics Tuebingen Variant Classification Criteria Version 2. Collection method: clinical testing. Allele origin: germline. Affected: yes. Observed: 1 variant allele.
Comment: MME: PM2:Supporting, PM3:Supporting, BP4